The following is an entry in ClinVar:

ClinVar aggregate classification (germline): Conflicting classifications of pathogenicity. Review status: criteria provided, conflicting classifications (1 of 4 stars). 3 submissions from 3 submitters: Uncertain significance (2); Likely benign (1). Last evaluated 2026-10-27.

Conditions:
Hereditary cancer-predisposing syndrome. Also called: Tumor predisposition; Hereditary Cancer Syndrome; Hereditary neoplastic syndrome; Neoplastic Syndromes, Hereditary. Identifiers: Orphanet 140162, MedGen C0027672, MeSH D009386, MONDO:0015356.
Familial cancer of breast. Also called: Hereditary breast cancer; hereditary breast carcinoma; BREAST CANCER, FAMILIAL. Identifiers: Orphanet 227535, MedGen C0346153, MONDO:0016419, OMIM 114480. Disease mechanism: loss of function.
Inherited breast cancer and ovarian cancer.

Allele frequency attached by ClinVar (database versions not stated): gnomAD exomes below 0.00001.
gnomAD v4.1: 7 of 1,613,840 alleles (0.00043%); highest among the groups gnomAD compares: Non-Finnish European, 0.00051%; no homozygotes.

Submissions (3):

Genomics and Molecular Medicine Service, East Genomic Laboratory Hub, NHS Genomic Medicine Service
Classification: Uncertain significance for Inherited breast cancer and ovarian cancer. Last evaluated: 2026-10-27. Review status: criteria provided, single submitter. Criteria: ACGS Best Practice Guidelines for Variant Classification in Rare Disease 2020. Collection method: clinical testing. Allele origin: germline. Affected: yes.

Labcorp Genetics (formerly Invitae), Labcorp
Classification: Uncertain significance for Familial cancer of breast. Last evaluated: 2024-04-17. Review status: criteria provided, single submitter. Criteria: Invitae Variant Classification Sherloc (09022015). Collection method: clinical testing. Allele origin: germline.
Comment: This sequence change replaces glutamic acid, which is acidic and polar, with glutamine, which is neutral and polar, at codon 94 of the PALB2 protein (p.Glu94Gln). This variant is not present in population databases (gnomAD no frequency). This variant has not been reported in the literature in individuals affected with PALB2-related conditions. ClinVar contains an entry for this variant (Variation ID: 486001). An algorithm developed to predict the effect of missense changes on protein structure and function (PolyPhen-2) suggests that this variant is likely to be disruptive. In summary, the available evidence is currently insufficient to determine the role of this variant in disease. Therefore, it has been classified as a Variant of Uncertain Significance.

Ambry Genetics
Classification: Likely benign for Hereditary cancer-predisposing syndrome. Last evaluated: 2023-12-19. Review status: criteria provided, single submitter. Criteria: Ambry Variant Classification Scheme 2023. Collection method: clinical testing. Allele origin: germline.

NM_024675.4(PALB2):c.280G>C (p.Glu94Gln)

Gene: PALB2 (partner and localizer of BRCA2; minus strand). Cytogenetic location: 16p12.2.
Variant type: single nucleotide variant.
Coding change: c.280G>C on transcript NM_024675.4 (MANE Select); coding-DNA position 280, G replaced by C.
Protein change: p.Glu94Gln; replaces glutamic acid 94 with glutamine.
Molecular consequence: missense variant.
Genome position (GRCh38, 1-based): chr16:23,636,266, C>G on the plus strand (G>C on the coding strand, the complement: PALB2 is on the minus strand). VCF-style: chr16-23636266-C-G. GRCh37 (hg19) VCF-style: chr16-23647587-C-G.
Other names: short protein forms E94Q.
Identifiers: ClinVar variation 486001 (VCV000486001.15), dbSNP rs45602040, ClinGen allele CA395138842.
Genomic context (GRCh38, chr16:23,636,266, plus strand): 5'-CTGGGCCATCTCCAGGGTTAAAGGACTCAGGCCCAACATCAAGTGTGATAGATGTCTTTT[C>G]TCCAGTTTCTTCATCAAGATGGGTTTTGATGTGTAACTTGTCATAAACACATATTTTATT-3'
Protein context (NP_078951.2, residues 84-104): IKTHLDEETG[Glu94Gln]KTSITLDVGP